The following is an entry in ClinVar:

ClinVar aggregate classification (germline): Uncertain significance (1 of 4 stars; one submission).

Conditions:
Epilepsy, progressive myoclonic, 1B. Also called: PME. Identifiers: Orphanet 308, MedGen C2676254, MONDO:0012904, OMIM 612437.

gnomAD v4.1: 1 of 1,614,002 alleles (0.000062%); no homozygotes.

Submission:

Labcorp Genetics (formerly Invitae), Labcorp
Classification: Uncertain significance for Epilepsy, progressive myoclonic, 1B. Last evaluated: 2021-03-05. Review status: criteria provided, single submitter. Criteria: Invitae Variant Classification Sherloc (09022015). Collection method: clinical testing. Allele origin: germline.
Comment: In summary, the available evidence is currently insufficient to determine the role of this variant in disease. Therefore, it has been classified as a Variant of Uncertain Significance. Algorithms developed to predict the effect of missense changes on protein structure and function are either unavailable or do not agree on the potential impact of this missense change (SIFT: "Tolerated"; PolyPhen-2: "Probably Damaging"; Align-GVGD: "Class C0"). This variant has not been reported in the literature in individuals with PRICKLE1-related conditions. This variant is not present in population databases (ExAC no frequency). This sequence change replaces glycine with arginine at codon 756 of the PRICKLE1 protein (p.Gly756Arg). The glycine residue is highly conserved and there is a moderate physicochemical difference between glycine and arginine.

NM_153026.3(PRICKLE1):c.2266G>C (p.Gly756Arg)

Gene: PRICKLE1 (prickle planar cell polarity protein 1; minus strand). Cytogenetic location: 12q12.
Variant type: single nucleotide variant.
Coding change: c.2266G>C on transcript NM_153026.3 (MANE Select); coding-DNA position 2266, G replaced by C.
Protein change: p.Gly756Arg; replaces glycine 756 with arginine.
Molecular consequence: missense variant.
Genome position (GRCh38, 1-based): chr12:42,460,039, C>G on the plus strand (G>C on the coding strand, the complement: PRICKLE1 is on the minus strand). VCF-style: chr12-42460039-C-G. GRCh37 (hg19) VCF-style: chr12-42853841-C-G.
Other names: c.2266G>C, p.Gly756Arg (NM_001144881.2, NM_001144882.2, NM_001144883.2); short protein forms G756R.
Identifiers: ClinVar variation 1008065 (VCV001008065.8), dbSNP rs777019107, ClinGen allele CA384439843.